The following is an entry in ClinVar:

ClinVar aggregate classification (germline): Uncertain significance. Review status: criteria provided, multiple submitters, no conflicts (2 of 4 stars). 2 submissions from 2 submitters: Uncertain significance (2). Last evaluated 2025-11-11.

Conditions:
Fanconi anemia complementation group J. Also called: BRIP1-Related Fanconi Anemia. Identifiers: Orphanet 84, MedGen C1836860, MONDO:0012187, OMIM 609054.
Familial cancer of breast. Also called: BREAST CANCER, FAMILIAL; hereditary breast carcinoma; Hereditary breast cancer. Identifiers: Orphanet 227535, MedGen C0346153, MONDO:0016419, OMIM 114480. Disease mechanism: loss of function.
Hereditary cancer-predisposing syndrome. Also called: Tumor predisposition; Hereditary neoplastic syndrome; Neoplastic Syndromes, Hereditary; Hereditary Cancer Syndrome. Identifiers: Orphanet 140162, MedGen C0027672, MeSH D009386, MONDO:0015356.

Allele frequency attached by ClinVar (database versions not stated): gnomAD 0.00001.
gnomAD v4.1: 1 of 1,614,046 alleles (0.000062%); highest among the groups gnomAD compares: Admixed American, 0.0017%; no homozygotes.

Submissions (2):

Labcorp Genetics (formerly Invitae), Labcorp
Classification: Uncertain significance for Familial cancer of breast; Fanconi anemia complementation group J. Last evaluated: 2025-11-11. Review status: criteria provided, single submitter. Criteria: Invitae Variant Classification Sherloc (09022015). Collection method: clinical testing. Allele origin: germline.
Comment: This sequence change replaces serine, which is neutral and polar, with proline, which is neutral and non-polar, at codon 1063 of the BRIP1 protein (p.Ser1063Pro). This variant is not present in population databases (gnomAD no frequency). This variant has not been reported in the literature in individuals affected with BRIP1-related conditions. ClinVar contains an entry for this variant (Variation ID: 927484). Invitae Evidence Modeling of protein sequence and biophysical properties (such as structural, functional, and spatial information, amino acid conservation, physicochemical variation, residue mobility, and thermodynamic stability) indicates that this missense variant is not expected to disrupt BRIP1 protein function with a negative predictive value of 95%. In summary, the available evidence is currently insufficient to determine the role of this variant in disease. Therefore, it has been classified as a Variant of Uncertain Significance.

Color Diagnostics, LLC DBA Color Health
Classification: Uncertain significance for Hereditary cancer-predisposing syndrome. Last evaluated: 2024-03-06. Review status: criteria provided, single submitter. Criteria: ACMG Guidelines, 2015. Collection method: clinical testing. Allele origin: germline.
Comment: This missense variant replaces serine with proline at codon 1063 of the BRIP1 protein. Computational prediction suggests that this variant may not impact protein structure and function (internally defined REVEL score threshold <= 0.5, PMID: 27666373). To our knowledge, functional studies have not been reported for this variant. This variant has not been reported in individuals affected with BRIP1-related disorders in the literature. This variant has not been identified in the general population by the Genome Aggregation Database (gnomAD). The available evidence is insufficient to determine the role of this variant in disease conclusively. Therefore, this variant is classified as a Variant of Uncertain Significance.

NM_032043.3(BRIP1):c.3187T>C (p.Ser1063Pro)

Gene: BRIP1 (BRCA1 interacting DNA helicase 1; minus strand). Cytogenetic location: 17q23.2.
Variant type: single nucleotide variant.
Coding change: c.3187T>C on transcript NM_032043.3 (MANE Select); coding-DNA position 3187, T replaced by C.
Protein change: p.Ser1063Pro; replaces serine 1063 with proline.
Molecular consequence: missense variant.
Genome position (GRCh38, 1-based): chr17:61,683,859, A>G on the plus strand (T>C on the coding strand, the complement: BRIP1 is on the minus strand). VCF-style: chr17-61683859-A-G. GRCh37 (hg19) VCF-style: chr17-59761220-A-G.
Other names: short protein forms S1063P.
Identifiers: ClinVar variation 927484 (VCV000927484.11), dbSNP rs2061317060, ClinGen allele CA400479391.